The following is an entry in ClinVar:

ClinVar aggregate classification (germline): Conflicting classifications of pathogenicity. Review status: criteria provided, conflicting classifications (1 of 4 stars). 4 submissions from 4 submitters: Uncertain significance (2); Likely benign (1). 1 of the submissions does not count toward it. Last evaluated 2024-05-28.

Conditions:
Retinal dystrophy. Also called: Inherited retinal dystrophy. Identifiers: Orphanet 71862, MedGen C0854723, MeSH D058499, MONDO:0019118, HP:0000556.
Inborn genetic diseases. Identifiers: MedGen C0950123, MeSH D030342.
RP1L1-related disorder. Also called: RP1L1-related condition.

Allele frequency attached by ClinVar (database versions not stated): ExAC 0.00005; TOPMed 0.00005; gnomAD 0.00007; ESP Exome Variant Server 0.00008; 1000 Genomes Project 30x 0.00016; 1000 Genomes Project 0.00020.

Submissions (4):

Blueprint Genetics
Classification: Uncertain significance. Last evaluated: 2024-05-28. Review status: criteria provided, single submitter. Criteria: ACMG Guidelines, 2015. Collection method: clinical testing. Allele origin: germline.

Dept Of Ophthalmology, Nagoya University
Classification: Uncertain significance for Retinal dystrophy. Last evaluated: 2023-10-01. Review status: criteria provided, single submitter. Criteria: Submitter's publication. Collection method: research. Allele origin: germline. Affected: yes.

Ambry Genetics
Classification: Likely benign for Inborn genetic diseases. Last evaluated: 2023-03-02. Review status: criteria provided, single submitter. Criteria: Ambry Variant Classification Scheme 2023. Collection method: clinical testing. Allele origin: germline.

PreventionGenetics, part of Exact Sciences
Classification: Uncertain significance for RP1L1-related condition. Last evaluated: 2024-09-15. Review status: no assertion criteria provided. Collection method: clinical testing. Allele origin: germline. Not counted in ClinVar's aggregate classification.
Comment: The RP1L1 c.1195G>A variant is predicted to result in the amino acid substitution p.Gly399Arg. To our knowledge, this variant has not been reported in the literature. This variant is reported in 0.012% of alleles in individuals of African descent in gnomAD. At this time, the clinical significance of this variant is uncertain due to the absence of conclusive functional and genetic evidence.

NM_178857.6(RP1L1):c.1195G>A (p.Gly399Arg)

Gene: RP1L1 (RP1 like 1). Cytogenetic location: 8p23.1.
Variant type: single nucleotide variant.
Coding change: c.1195G>A on transcript NM_178857.6 (MANE Select); coding-DNA position 1195, G replaced by A.
Protein change: p.Gly399Arg; replaces glycine 399 with arginine.
Molecular consequence: missense variant.
Genome position (GRCh38, 1-based): chr8:10,612,903, C>T on the plus strand (G>A on the coding strand, the complement: RP1L1 is on the minus strand). VCF-style: chr8-10612903-C-T. GRCh37 (hg19) VCF-style: chr8-10470413-C-T.
Other names: short protein forms G399R.
Identifiers: ClinVar variation 2466629 (VCV002466629.5), dbSNP rs374843101, ClinGen allele CA4625273.